The following is an entry in ClinVar:

ClinVar aggregate classification (germline): Conflicting classifications of pathogenicity. Review status: criteria provided, conflicting classifications (1 of 4 stars). 2 submissions from 2 submitters: Uncertain significance (1); Benign (1). Last evaluated 2025-09-16.

Conditions:
BAP1-related tumor predisposition syndrome (TPDS1). Also called: COMMON Syndrome; BAP1 tumor predisposition syndrome; Tumor susceptibility linked to germline BAP1 mutations; TUMOR PREDISPOSITION SYNDROME 1. Identifiers: Orphanet 289539, MedGen C3280492, MONDO:0013692, OMIM 614327.
Hereditary cancer-predisposing syndrome. Also called: Hereditary Cancer Syndrome; Neoplastic Syndromes, Hereditary; Tumor predisposition; Hereditary neoplastic syndrome. Identifiers: Orphanet 140162, MedGen C0027672, MeSH D009386, MONDO:0015356.

Submissions (2):

Ambry Genetics
Classification: Benign for Hereditary cancer-predisposing syndrome. Last evaluated: 2025-09-16. Review status: criteria provided, single submitter. Criteria: Ambry Variant Classification Scheme 2023. Collection method: clinical testing. Allele origin: germline.

Labcorp Genetics (formerly Invitae), Labcorp
Classification: Uncertain significance for BAP1-related tumor predisposition syndrome. Last evaluated: 2024-01-10. Review status: criteria provided, single submitter. Criteria: Invitae Variant Classification Sherloc (09022015). Collection method: clinical testing. Allele origin: germline.
Comment: This sequence change replaces serine, which is neutral and polar, with threonine, which is neutral and polar, at codon 285 of the BAP1 protein (p.Ser285Thr). This variant is not present in population databases (gnomAD no frequency). This variant has not been reported in the literature in individuals affected with BAP1-related conditions. Advanced modeling of protein sequence and biophysical properties (such as structural, functional, and spatial information, amino acid conservation, physicochemical variation, residue mobility, and thermodynamic stability) performed at Invitae indicates that this missense variant is not expected to disrupt BAP1 protein function with a negative predictive value of 80%. In summary, the available evidence is currently insufficient to determine the role of this variant in disease. Therefore, it has been classified as a Variant of Uncertain Significance.

NM_004656.4(BAP1):c.853T>A (p.Ser285Thr)

Gene: BAP1 (BRCA1 associated deubiquitinase 1; minus strand). Cytogenetic location: 3p21.1.
Variant type: single nucleotide variant.
Coding change: c.853T>A on transcript NM_004656.4 (MANE Select); coding-DNA position 853, T replaced by A.
Protein change: p.Ser285Thr; replaces serine 285 with threonine.
Molecular consequence: missense variant.
Genome position (GRCh38, 1-based): chr3:52,405,843, A>T on the plus strand (T>A on the coding strand, the complement: BAP1 is on the minus strand). VCF-style: chr3-52405843-A-T. GRCh37 (hg19) VCF-style: chr3-52439859-A-T.
Other names: c.799T>A, p.Ser267Thr (NM_001410772.1); short protein forms S267T, S285T.
Identifiers: ClinVar variation 2746143 (VCV002746143.4), dbSNP rs2153227249, ClinGen allele CA353106751.